The following is an entry in ClinVar:

NM_000069.3(CACNA1S):c.1981G>C (p.Val661Leu)

Gene: CACNA1S (calcium voltage-gated channel subunit alpha1 S; minus strand). Cytogenetic location: 1q32.1.
Variant type: single nucleotide variant.
Coding change: c.1981G>C on transcript NM_000069.3 (MANE Select); coding-DNA position 1981, G replaced by C.
Protein change: p.Val661Leu; replaces valine 661 with leucine.
Molecular consequence: missense variant.
Genome position (GRCh38, 1-based): chr1:201,074,588, C>G on the plus strand (G>C on the coding strand, the complement: CACNA1S is on the minus strand). VCF-style: chr1-201074588-C-G. GRCh37 (hg19) VCF-style: chr1-201043716-C-G.
Other names: short protein forms V661L.
Identifiers: ClinVar variation 3070330 (VCV003070330.2), dbSNP rs764736462, ClinGen allele CA344115191.
Genomic context (GRCh38, chr1:201,074,588, plus strand): 5'-TCTCCTCAGCCTTGGCCTTCTGGGCAGAAGTCAGGCTCTCCGCCTCGGCCAGGTTGTCCA[C>G]GGCAATGGCCAGGAAGACATTGAGCAGGATGTCTGAGCGGGTTTAGCTAAGGAGCCTTTG-3'
Protein context (NP_000060.2, residues 651-671): ILLNVFLAIA[Val661Leu]DNLAEAESLT

ClinVar aggregate classification (germline): Uncertain significance (1 of 4 stars; one submission).

Conditions:
Malignant hyperthermia, susceptibility to, 5 (MHS5). Also called: CACNA1S-Related Malignant Hyperthermia Susceptibility. Identifiers: Orphanet 423, MedGen C1866077, MONDO:0011163, OMIM 601887.

gnomAD v4.1: 5 of 1,613,510 alleles (0.00031%); highest among the groups gnomAD compares: Non-Finnish European, 0.00042%; no homozygotes.

Submission:

All of Us Research Program, National Institutes of Health
Classification: Uncertain significance for Malignant hyperthermia, susceptibility to, 5. Last evaluated: 2024-06-09. Review status: criteria provided, single submitter. Criteria: ACMG Guidelines, 2015. Collection method: clinical testing. Allele origin: germline. Inheritance: Autosomal dominant inheritance. Observed: 2 variant alleles, 2 heterozygotes.
Comment: This missense variant replaces valine with leucine at codon 661 of the CACNA1S protein. Computational prediction suggests that this variant may have deleterious impact on protein structure and function (internally defined REVEL score threshold >= 0.7, PMID: 27666373). To our knowledge, functional studies have not been reported for this variant. This variant has not been reported in individuals affected with CACNA1S-related disorders in the literature. This variant has not been identified in the general population by the Genome Aggregation Database (gnomAD). The available evidence is insufficient to determine the role of this variant in disease conclusively. Therefore, this variant is classified as a Variant of Uncertain Significance.

This study involves interpretation of variants in research participants for the purpose of population health screening. Participant phenotype was not available at the time of variant classification. Additional details can be found in publication PMID: 35346344, PMCID: PMC8962531